The following is an entry in ClinVar:

NM_017654.4(SAMD9):c.1070T>G (p.Val357Gly)

Gene: SAMD9 (sterile alpha motif domain containing 9; minus strand). Cytogenetic location: 7q21.2.
Variant type: single nucleotide variant.
Coding change: c.1070T>G on transcript NM_017654.4 (MANE Select); coding-DNA position 1070, T replaced by G.
Protein change: p.Val357Gly; replaces valine 357 with glycine.
Molecular consequence: missense variant.
Genome position (GRCh38, 1-based): chr7:93,105,028, A>C on the plus strand (T>G on the coding strand, the complement: SAMD9 is on the minus strand). VCF-style: chr7-93105028-A-C. GRCh37 (hg19) VCF-style: chr7-92734341-A-C.
Other names: c.1070T>G, p.Val357Gly (NM_001193307.2); short protein forms V357G.
Identifiers: ClinVar variation 4629876 (VCV004629876.1).

ClinVar aggregate classification (germline): Uncertain significance (1 of 4 stars; one submission).

Conditions:
Inborn genetic diseases. Identifiers: MedGen C0950123, MeSH D030342.

Submission:

Ambry Genetics
Classification: Uncertain significance for Inborn genetic diseases. Last evaluated: 2025-10-16. Review status: criteria provided, single submitter. Criteria: Ambry Variant Classification Scheme 2023. Collection method: clinical testing. Allele origin: germline.
Comment: The p.V357G variant (also known as c.1070T>G), located in coding exon 1 of the SAMD9 gene, results from a T to G substitution at nucleotide position 1070. The valine at codon 357 is replaced by glycine, an amino acid with dissimilar properties. This amino acid position is conserved. In addition, this alteration is predicted to be tolerated by in silico analysis. Based on the available evidence, the clinical significance of this variant remains unclear.